The following is an entry in ClinVar:

ClinVar aggregate classification (germline): Benign/Likely benign. Review status: criteria provided, multiple submitters, no conflicts (2 of 4 stars). 4 submissions from 4 submitters: Benign (2); Likely benign (2). Last evaluated 2025-12-01.

Conditions:
Idiopathic generalized epilepsy. Also called: Generalised epilepsy; EIG. Identifiers: MedGen C0270850, MONDO:0005579, OMIM 600669.
Hyperaldosteronism, familial, type IV (HALD4). Also called: FH IV; ALDOSTERONISM, PRIMARY, AND HYPERTENSION. Identifiers: Orphanet 642671, MedGen C4310756, MONDO:0014875, OMIM 617027.
Epilepsy, childhood absence, susceptibility to, 6. Identifiers: Orphanet 64280, MedGen C2749872, MONDO:0012763, OMIM 611942.

Allele frequency attached by ClinVar (database versions not stated): 1000 Genomes Project 30x 0.00016; 1000 Genomes Project 0.00020; ESP Exome Variant Server 0.00031; gnomAD 0.00053 and 0.00056; TOPMed 0.00055; ExAC 0.00117.
gnomAD v4.1: 897 of 1,581,512 alleles (0.057%); highest among the groups gnomAD compares: Middle Eastern, 0.12%; 6 homozygotes.

Submissions (4):

Labcorp Genetics (formerly Invitae), Labcorp
Classification: Benign for Idiopathic generalized epilepsy; Hyperaldosteronism, familial, type IV. Last evaluated: 2025-12-01. Review status: criteria provided, single submitter. Criteria: Invitae Variant Classification Sherloc (09022015). Collection method: clinical testing. Allele origin: germline.

Athena Diagnostics
Classification: Benign. Last evaluated: 2024-12-04. Review status: criteria provided, single submitter. Criteria: Athena Diagnostics Criteria. Collection method: clinical testing. Allele origin: unknown.
Comment: The frequency of this variant in the general population is higher than would generally be expected for pathogenic variants in this gene.

Blueprint Genetics
Classification: Likely benign. Last evaluated: 2024-10-29. Review status: criteria provided, single submitter. Criteria: ACMG Guidelines, 2015. Collection method: clinical testing. Allele origin: germline.

Fulgent Genetics
Classification: Likely benign for Epilepsy, childhood absence, susceptibility to, 6; Hyperaldosteronism, familial, type IV. Last evaluated: 2021-09-27. Review status: criteria provided, single submitter. Criteria: ACMG Guidelines, 2015. Collection method: clinical testing. Allele origin: unknown.

Literature cited by the submitters: PubMed 16905256 (cited by Athena Diagnostics).

NM_021098.3(CACNA1H):c.1371C>T (p.Tyr457=)

Gene: CACNA1H (calcium voltage-gated channel subunit alpha1 H; plus strand). Cytogenetic location: 16p13.3.
Variant type: single nucleotide variant.
Coding change: c.1371C>T on transcript NM_021098.3 (MANE Select); coding-DNA position 1371, C replaced by T.
Protein change: p.Tyr457=; no amino-acid change (tyrosine 457 retained).
Molecular consequence: synonymous variant.
Genome position (GRCh38, 1-based): chr16:1,201,821, C>T. VCF-style: chr16-1201821-C-T. GRCh37 (hg19) VCF-style: chr16-1251821-C-T.
Other names: c.1371C>T, p.Tyr457= (NM_001005407.2).
Identifiers: ClinVar variation 529671 (VCV000529671.16), dbSNP rs368758031, ClinGen allele CA7799924.